The following is an entry in ClinVar:

NM_002468.5(MYD88):c.851G>A (p.Trp284Ter)

Gene: MYD88 (MYD88 innate immune signal transduction adaptor; plus strand). Cytogenetic location: 3p22.2.
Variant type: single nucleotide variant.
Coding change: c.851G>A on transcript NM_002468.5 (MANE Select); coding-DNA position 851, G replaced by A.
Protein change: p.Trp284Ter; replaces tryptophan 284 with a stop codon.
Molecular consequence: nonsense. On other transcripts: 3 prime UTR variant (5).
Genome position (GRCh38, 1-based): chr3:38,141,246, G>A. VCF-style: chr3-38141246-G-A. GRCh37 (hg19) VCF-style: chr3-38182737-G-A.
Other names: c.*94G>A (NM_001172566.2, NM_001172569.3, NM_001365876.1 and 2 more transcripts); c.875G>A, p.Trp292Ter (NM_001172567.2); c.716G>A, p.Trp239Ter (NM_001172568.2); short protein forms W292*, W305*, W284*, W239*.
Identifiers: ClinVar variation 2077487 (VCV002077487.4), dbSNP rs1159761534, ClinGen allele CA352134547.
Genomic context (GRCh38, chr3:38,141,246, plus strand): 5'-TCCCCAGCATCCTGAGGTTCATCACTGTCTGCGACTACACCAACCCCTGCACCAAATCTT[G>A]GTTCTGGACTCGCCTTGCCAAGGCCTTGTCCCTGCCCTGAAGACTGTTCTGAGGCCCTGG-3'

ClinVar aggregate classification (germline): Uncertain significance (1 of 4 stars; one submission).

Conditions:
Pyogenic bacterial infections due to MyD88 deficiency (IMD68). Also called: PYOGENIC BACTERIAL INFECTIONS, RECURRENT, DUE TO MYD88 DEFICIENCY. Identifiers: Orphanet 183713, MedGen C2677092, MONDO:0012839, OMIM 612260.

Allele frequency attached by ClinVar (database versions not stated): gnomAD exomes below 0.00001.
gnomAD v4.1: 3 of 1,614,204 alleles (0.00019%); highest among the groups gnomAD compares: Non-Finnish European, 0.00025%; no homozygotes.

Submission:

Labcorp Genetics (formerly Invitae), Labcorp
Classification: Uncertain significance for Pyogenic bacterial infections due to MyD88 deficiency. Last evaluated: 2022-01-07. Review status: criteria provided, single submitter. Criteria: Invitae Variant Classification Sherloc (09022015). Collection method: clinical testing. Allele origin: germline.
Comment: This variant is not present in population databases (gnomAD no frequency). This sequence change creates a premature translational stop signal (p.Trp297*) in the MYD88 gene. While this is not anticipated to result in nonsense mediated decay, it is expected to disrupt the last 13 amino acid(s) of the MYD88 protein. This variant has not been reported in the literature in individuals affected with MYD88-related conditions. In summary, the available evidence is currently insufficient to determine the role of this variant in disease. Therefore, it has been classified as a Variant of Uncertain Significance. Algorithms developed to predict the effect of sequence changes on RNA splicing suggest that this variant may create or strengthen a splice site.